The following is an entry in ClinVar:

ClinVar aggregate classification (germline): Uncertain significance. Review status: criteria provided, multiple submitters, no conflicts (2 of 4 stars). 2 submissions from 2 submitters: Uncertain significance (2). Last evaluated 2025-07-12.

Conditions:
VANGL2-related disorder. Also called: VANGL2-related condition.
Inborn genetic diseases. Identifiers: MedGen C0950123, MeSH D030342.

Submissions (2):

PreventionGenetics, part of Exact Sciences
Classification: Uncertain significance for VANGL2-related condition. Last evaluated: 2025-07-12. Review status: criteria provided, single submitter. Criteria: ACMG Guidelines, 2015. Collection method: clinical testing. Allele origin: germline.
Comment: The VANGL2 c.242A>G variant is predicted to result in the amino acid substitution p.His81Arg. To our knowledge, this variant has not been reported in the literature or in a large population database (gnomAD), indicating this variant is rare. At this time, the clinical significance of this variant is uncertain due to the absence of conclusive functional and genetic evidence.

Ambry Genetics
Classification: Uncertain significance for Inborn genetic diseases. Last evaluated: 2024-10-01. Review status: criteria provided, single submitter. Criteria: Ambry Variant Classification Scheme 2023. Collection method: clinical testing. Allele origin: germline.

NM_020335.3(VANGL2):c.242A>G (p.His81Arg)

Gene: VANGL2 (VANGL planar cell polarity protein 2; plus strand). Cytogenetic location: 1q23.2.
Variant type: single nucleotide variant.
Coding change: c.242A>G on transcript NM_020335.3 (MANE Select); coding-DNA position 242, A replaced by G.
Protein change: p.His81Arg; replaces histidine 81 with arginine.
Molecular consequence: missense variant.
Genome position (GRCh38, 1-based): chr1:160,419,051, A>G. VCF-style: chr1-160419051-A-G. GRCh37 (hg19) VCF-style: chr1-160388841-A-G.
Other names: short protein forms H81R.
Identifiers: ClinVar variation 3467598 (VCV003467598.2).